The following is an entry in ClinVar:

ClinVar aggregate classification (germline): Uncertain significance (1 of 4 stars; one submission).

gnomAD v4.1: 7 of 1,613,894 alleles (0.00043%); highest among the groups gnomAD compares: African/African-American, 0.0013%; no homozygotes.

Submission:

Labcorp Genetics (formerly Invitae), Labcorp
Classification: Uncertain significance. Last evaluated: 2025-02-10. Review status: criteria provided, single submitter. Criteria: Invitae Variant Classification Sherloc (09022015). Collection method: clinical testing. Allele origin: germline.
Comment: This sequence change replaces aspartic acid, which is acidic and polar, with glutamic acid, which is acidic and polar, at codon 107 of the FLI1 protein (p.Asp107Glu). This variant is not present in population databases (gnomAD no frequency). This variant has not been reported in the literature in individuals affected with FLI1-related conditions. ClinVar contains an entry for this variant (Variation ID: 2869747). Invitae Evidence Modeling of protein sequence and biophysical properties (such as structural, functional, and spatial information, amino acid conservation, physicochemical variation, residue mobility, and thermodynamic stability) indicates that this missense variant is not expected to disrupt FLI1 protein function with a negative predictive value of 80%. In summary, the available evidence is currently insufficient to determine the role of this variant in disease. Therefore, it has been classified as a Variant of Uncertain Significance.

NM_002017.5(FLI1):c.321C>A (p.Asp107Glu)

Gene: FLI1 (Fli-1 proto-oncogene, ETS transcription factor; plus strand). Cytogenetic location: 11q24.3.
Variant type: single nucleotide variant.
Coding change: c.321C>A on transcript NM_002017.5 (MANE Select); coding-DNA position 321, C replaced by A.
Protein change: p.Asp107Glu; replaces aspartic acid 107 with glutamic acid.
Molecular consequence: missense variant. On other transcripts: intron variant (1).
Genome position (GRCh38, 1-based): chr11:128,768,208, C>A. VCF-style: chr11-128768208-C-A. GRCh37 (hg19) VCF-style: chr11-128638103-C-A.
Other names: c.222C>A, p.Asp74Glu (NM_001167681.3); c.123C>A, p.Asp41Glu (NM_001271010.2); c.10+9882C>A (NM_001271012.2); short protein forms D74E, D107E, D41E.
Identifiers: ClinVar variation 2869747 (VCV002869747.3), dbSNP rs772608802, ClinGen allele CA230631617.